The following is an entry in ClinVar:

NM_020937.4(FANCM):c.1706G>A (p.Arg569His)

Gene: FANCM (FA complementation group M; plus strand). Cytogenetic location: 14q21.2.
Variant type: single nucleotide variant.
Coding change: c.1706G>A on transcript NM_020937.4 (MANE Select); coding-DNA position 1706, G replaced by A.
Protein change: p.Arg569His; replaces arginine 569 with histidine.
Molecular consequence: missense variant.
Genome position (GRCh38, 1-based): chr14:45,164,483, G>A. VCF-style: chr14-45164483-G-A. GRCh37 (hg19) VCF-style: chr14-45633686-G-A.
Other names: c.1628G>A, p.Arg543His (NM_001308133.2); c.1706G>A, p.Arg569His (NM_001308134.2); short protein forms R569H, R543H.
Identifiers: ClinVar variation 526406 (VCV000526406.16), dbSNP rs754308821, ClinGen allele CA7169129.

ClinVar aggregate classification (germline): Uncertain significance. Review status: criteria provided, multiple submitters, no conflicts (2 of 4 stars). 2 submissions from 2 submitters: Uncertain significance (2). Last evaluated 2024-08-13.

Conditions:
Fanconi anemia (FA). Also called: Fanconi's anemia. Identifiers: Orphanet 84, MedGen C0015625, MeSH D005199, MONDO:0019391.

Allele frequency attached by ClinVar (database versions not stated): gnomAD exomes 0.00003 and 0.00002; TOPMed 0.00001; ExAC 0.00002.
gnomAD v4.1: 32 of 1,613,680 alleles (0.002%); highest among the groups gnomAD compares: South Asian, 0.027%; no homozygotes.

Submissions (2):

Labcorp Genetics (formerly Invitae), Labcorp
Classification: Uncertain significance for Fanconi anemia. Last evaluated: 2024-08-13. Review status: criteria provided, single submitter. Criteria: Invitae Variant Classification Sherloc (09022015). Collection method: clinical testing. Allele origin: germline.
Comment: This sequence change replaces arginine, which is basic and polar, with histidine, which is basic and polar, at codon 569 of the FANCM protein (p.Arg569His). This variant is present in population databases (rs754308821, gnomAD 0.02%). This variant has not been reported in the literature in individuals affected with FANCM-related conditions. ClinVar contains an entry for this variant (Variation ID: 526406). An algorithm developed to predict the effect of missense changes on protein structure and function (PolyPhen-2) suggests that this variant is likely to be disruptive. In summary, the available evidence is currently insufficient to determine the role of this variant in disease. Therefore, it has been classified as a Variant of Uncertain Significance.

Genetic Services Laboratory, University of Chicago
Classification: Uncertain significance. Last evaluated: 2021-05-03. Review status: criteria provided, single submitter. Criteria: ACMG Guidelines, 2015. Collection method: clinical testing. Allele origin: germline. Affected: no.
Comment: DNA sequence analysis of the FANCM gene demonstrated a sequence change, c.1706G>A, in exon 10 that results in an amino acid change, p.Arg569His. This sequence change does not appear to have been previously described in patients with FANCM-related disorders. This sequence change has been described in the gnomAD database with a low frequency of 0.020% in the south Asian subpopulation (dbSNP rs754308821). The p.Arg569His change affects a highly conserved amino acid residue located in a domain of the FANCM protein that is known to be functional. In-silico pathogenicity prediction tools (SIFT, PolyPhen2, Align GVGD, REVEL) provide contradictory results for the p.Arg569His substitution. Due to these contrasting evidences and the lack of functional studies, the clinical significance of the p.Arg569His change remains unknown at this time.